The following is an entry in ClinVar:

ClinVar aggregate classification (germline): Benign. Review status: criteria provided, multiple submitters, no conflicts (2 of 4 stars). 5 submissions from 5 submitters: Benign (4). 1 of the submissions does not count toward it. Last evaluated 2026-02-01.

Conditions:
Fanconi anemia complementation group P. Also called: SLX4-Related Fanconi Anemia. Identifiers: Orphanet 84, MedGen C3469542, MONDO:0013499, OMIM 613951.
Fanconi anemia (FA). Also called: Fanconi's anemia. Identifiers: Orphanet 84, MedGen C0015625, MeSH D005199, MONDO:0019391.

Allele frequency attached by ClinVar (database versions not stated): ESP Exome Variant Server 0.00015; gnomAD 0.00148 and 0.00192; gnomAD exomes 0.00153 and 0.00307; TOPMed 0.00191; ExAC 0.00294; 1000 Genomes Project 30x 0.00625; 1000 Genomes Project 0.00639.
gnomAD v4.1: 2,511 of 1,613,078 alleles (0.16%); highest among the groups gnomAD compares: East Asian, 3.8%; 37 homozygotes.

Submissions (5):

Labcorp Genetics (formerly Invitae), Labcorp
Classification: Benign for Fanconi anemia. Last evaluated: 2026-02-01. Review status: criteria provided, single submitter. Criteria: Invitae Variant Classification Sherloc (09022015). Collection method: clinical testing. Allele origin: germline.

KCCC/NGS Laboratory, Kuwait Cancer Control Center
Classification: Benign for Fanconi anemia complementation group P. Last evaluated: 2023-07-07. Review status: criteria provided, single submitter. Criteria: ACMG Guidelines, 2015. Collection method: clinical testing. Allele origin: germline. Affected: yes.

Illumina Laboratory Services, Illumina
Classification: Benign for Fanconi anemia complementation group P. Last evaluated: 2018-01-13. Review status: criteria provided, single submitter. Criteria: ICSL Variant Classification Criteria 13 December 2019. Collection method: clinical testing. Allele origin: germline.
Comment: This variant was observed in the ICSL laboratory as part of a predisposition screen in an ostensibly healthy population. It had not been previously curated by ICSL or reported in the Human Gene Mutation Database (HGMD: prior to June 1st, 2018), and was therefore a candidate for classification through an automated scoring system. Utilizing variant allele frequency, disease prevalence and penetrance estimates, and inheritance mode, an automated score was calculated to assess if this variant is too frequent to cause the disease. Based on the score and internal cut-off values, a variant classified as benign is not then subjected to further curation. The score for this variant resulted in a classification of benign for this disease.

Breakthrough Genomics
Classification: Benign. Review status: criteria provided, single submitter. Criteria: ACMG Guidelines, 2015. Collection method: not provided. Allele origin: germline. Inheritance: Autosomal recessive inheritance. Affected: yes.

Leiden Open Variation Database
Classification: Likely benign. Last evaluated: 2012-08-31. Review status: no assertion criteria provided. Collection method: curation. Allele origin: germline. Affected: yes. Not counted in ClinVar's aggregate classification.
Comment: Curator: Arleen D. Auerbach. Submitter to LOVD: Janine Bakker.

Literature cited by the submitters: PubMed 22911665 (cited by Leiden Open Variation Database).

NM_032444.4(SLX4):c.3109T>C (p.Leu1037=)

Gene: SLX4 (SLX4 structure-specific endonuclease subunit; minus strand). Cytogenetic location: 16p13.3.
Variant type: single nucleotide variant.
Coding change: c.3109T>C on transcript NM_032444.4 (MANE Select); coding-DNA position 3109, T replaced by C.
Protein change: p.Leu1037=; no amino-acid change (leucine 1037 retained).
Molecular consequence: synonymous variant.
Genome position (GRCh38, 1-based): chr16:3,590,529, A>G on the plus strand (T>C on the coding strand, the complement: SLX4 is on the minus strand). VCF-style: chr16-3590529-A-G. GRCh37 (hg19) VCF-style: chr16-3640530-A-G.
Other names: c.3109T>C (LRG_503t1, NM_032444.3).
Identifiers: ClinVar variation 414702 (VCV000414702.18), dbSNP rs58735123, ClinGen allele CA7865990.